The following is an entry in ClinVar:

ClinVar aggregate classification (germline): Benign. Review status: criteria provided, multiple submitters, no conflicts (2 of 4 stars). 3 submissions from 3 submitters: Benign (2). 1 of the submissions does not count toward it. Last evaluated 2018-06-14.

Allele frequency attached by ClinVar (database versions not stated): ESP Exome Variant Server 0.09264; gnomAD 0.10083 and 0.10368; 1000 Genomes Project 0.11182; TOPMed 0.11336; 1000 Genomes Project 30x 0.11805.
gnomAD v4.1: 94,748 of 1,572,146 alleles (6%); highest among the groups gnomAD compares: African/African-American, 21%; 4,437 homozygotes.

Submissions (3):

GeneDx
Classification: Benign. Last evaluated: 2018-06-14. Review status: criteria provided, single submitter. Criteria: GeneDx Variant Classification (06012015). Collection method: clinical testing. Allele origin: germline. Affected: yes.
Comment: This variant is considered likely benign or benign based on one or more of the following criteria: it is a conservative change, it occurs at a poorly conserved position in the protein, it is predicted to be benign by multiple in silico algorithms, and/or has population frequency not consistent with disease.

Breakthrough Genomics
Classification: Benign. Review status: criteria provided, single submitter. Criteria: ACMG Guidelines, 2015. Collection method: not provided. Allele origin: germline. Inheritance: Autosomal recessive inheritance. Affected: yes.

RYR1 database
No classification provided. Review status: no classification provided. Collection method: not provided. Allele origin: unknown. Not counted in ClinVar's aggregate classification.

NM_000540.3(RYR1):c.9123-61C>T

Gene: RYR1 (ryanodine receptor 1; plus strand). Cytogenetic location: 19q13.2.
Variant type: single nucleotide variant.
Coding change: c.9123-61C>T on transcript NM_000540.3 (MANE Select); 61 bases into the intron before coding-DNA position 9123, C replaced by T.
Molecular consequence: intron variant.
Genome position (GRCh38, 1-based): chr19:38,511,500, C>T. VCF-style: chr19-38511500-C-T. GRCh37 (hg19) VCF-style: chr19-39002140-C-T.
Other names: c.9123-61C>T (NM_001042723.2).
Identifiers: ClinVar variation 133237 (VCV000133237.3), dbSNP rs2960336, ClinGen allele CA024963.